The following is an entry in ClinVar:

ClinVar aggregate classification (germline): Benign/Likely benign. Review status: criteria provided, multiple submitters, no conflicts (2 of 4 stars). 3 submissions from 3 submitters: Benign (1); Likely benign (1). 1 of the submissions does not count toward it. Last evaluated 2026-01-11.

Conditions:
FAT1-related disorder. Also called: FAT1-related condition.

Allele frequency attached by ClinVar (database versions not stated): gnomAD exomes 0.00019 and 0.00063; gnomAD 0.00026 and 0.00034; TOPMed 0.00031; ExAC 0.00057; 1000 Genomes Project 30x 0.00141; 1000 Genomes Project 0.00180.
gnomAD v4.1: 329 of 1,613,766 alleles (0.02%); highest among the groups gnomAD compares: East Asian, 0.59%; 1 homozygote.

Submissions (3):

Labcorp Genetics (formerly Invitae), Labcorp
Classification: Benign. Last evaluated: 2026-01-11. Review status: criteria provided, single submitter. Criteria: Invitae Variant Classification Sherloc (09022015). Collection method: clinical testing. Allele origin: germline.

Blueprint Genetics
Classification: Likely benign. Last evaluated: 2024-11-20. Review status: criteria provided, single submitter. Criteria: ACMG Guidelines, 2015. Collection method: clinical testing. Allele origin: germline.

PreventionGenetics, part of Exact Sciences
Classification: Benign for FAT1-related condition. Last evaluated: 2019-11-14. Review status: no assertion criteria provided. Collection method: clinical testing. Allele origin: germline. Not counted in ClinVar's aggregate classification.
Comment: This variant is classified as benign based on ACMG/AMP sequence variant interpretation guidelines (Richards et al. 2015 PMID: 25741868, with internal and published modifications).

NM_005245.4(FAT1):c.1134A>G (p.Glu378=)

Gene: FAT1 (FAT atypical cadherin 1; minus strand). Cytogenetic location: 4q35.2.
Variant type: single nucleotide variant.
Coding change: c.1134A>G on transcript NM_005245.4 (MANE Select); coding-DNA position 1134, A replaced by G.
Protein change: p.Glu378=; no amino-acid change (glutamic acid 378 retained).
Molecular consequence: synonymous variant.
Genome position (GRCh38, 1-based): chr4:186,708,694, T>C on the plus strand (A>G on the coding strand, the complement: FAT1 is on the minus strand). VCF-style: chr4-186708694-T-C. GRCh37 (hg19) VCF-style: chr4-187629848-T-C.
Other names: c.1134A>G (NM_005245.3).
Identifiers: ClinVar variation 1597879 (VCV001597879.11), dbSNP rs201861054, ClinGen allele CA3167523.